The following is an entry in ClinVar:

NM_000535.7(PMS2):c.1375T>G (p.Ser459Ala)

Gene: PMS2 (PMS1 homolog 2, mismatch repair system component; minus strand). Cytogenetic location: 7p22.1.
Variant type: single nucleotide variant.
Coding change: c.1375T>G on transcript NM_000535.7 (MANE Select); coding-DNA position 1375, T replaced by G.
Protein change: p.Ser459Ala; replaces serine 459 with alanine.
Molecular consequence: missense variant. On other transcripts: non-coding transcript variant (1).
Genome position (GRCh38, 1-based): chr7:5,987,390, A>C on the plus strand (T>G on the coding strand, the complement: PMS2 is on the minus strand). VCF-style: chr7-5987390-A-C. GRCh37 (hg19) VCF-style: chr7-6027021-A-C.
Other names: c.970T>G, p.Ser324Ala (NM_001018040.1, NM_001322003.2, NM_001322004.2 and 17 more transcripts); c.1219T>G, p.Ser407Ala (NM_001322006.2, NM_001406870.1); c.1057T>G, p.Ser353Ala (NM_001322007.2, NM_001322008.2, NM_001406876.1 and 2 more transcripts); c.814T>G, p.Ser272Ala (NM_001322010.2, NM_001406906.1, NM_001406907.1); c.442T>G, p.Ser148Ala (NM_001322011.2, NM_001322012.2); c.802T>G, p.Ser268Ala (NM_001322013.2, NM_001406909.1); c.1375T>G, p.Ser459Ala (NM_001322014.2, NM_001406871.1, NM_001406872.1); c.1066T>G, p.Ser356Ala (NM_001322015.2, NM_001406875.1, NM_001406877.1 and 5 more transcripts); and 12 more; short protein forms S301A, S403A, S423A, S353A, S393A, S459A, S521A, S202A.
Identifiers: ClinVar variation 1771150 (VCV001771150.2), dbSNP rs754082085, ClinGen allele CA043208.

ClinVar aggregate classification (germline): Uncertain significance (1 of 4 stars; one submission).

Conditions:
Hereditary cancer-predisposing syndrome. Also called: Hereditary Cancer Syndrome; Hereditary neoplastic syndrome; Neoplastic Syndromes, Hereditary; Tumor predisposition. Identifiers: Orphanet 140162, MedGen C0027672, MeSH D009386, MONDO:0015356.

Allele frequency attached by ClinVar (database versions not stated): gnomAD exomes below 0.00001; ExAC 0.00001.
gnomAD v4.1: 1 of 1,614,172 alleles (0.000062%); highest among the groups gnomAD compares: Non-Finnish European, 0.000085%; no homozygotes.

Submission:

Ambry Genetics
Classification: Uncertain significance for Hereditary cancer-predisposing syndrome. Last evaluated: 2018-08-20. Review status: criteria provided, single submitter. Criteria: Ambry Variant Classification Scheme 2023. Collection method: clinical testing. Allele origin: germline.
Comment: The p.S459A variant (also known as c.1375T>G), located in coding exon 11 of the PMS2 gene, results from a T to G substitution at nucleotide position 1375. The serine at codon 459 is replaced by alanine, an amino acid with similar properties. This amino acid position is not well conserved in available vertebrate species. In addition, this alteration is predicted to be tolerated by in silico analysis. Since supporting evidence is limited at this time, the clinical significance of this alteration remains unclear.